The following is an entry in ClinVar:

ClinVar aggregate classification (germline): Uncertain significance (1 of 4 stars; one submission).

Conditions:
Thrombophilia due to protein C deficiency, autosomal dominant. Also called: PROC DEFICIENCY, AUTOSOMAL DOMINANT; PROTEIN C DEFICIENCY, AUTOSOMAL DOMINANT. Identifiers: Orphanet 745, MedGen C2674321, MONDO:0008316, OMIM 176860. Disease mechanism: loss of function.

Submission:

Labcorp Genetics (formerly Invitae), Labcorp
Classification: Uncertain significance for Thrombophilia due to protein C deficiency, autosomal dominant. Last evaluated: 2024-12-10. Review status: criteria provided, single submitter. Criteria: Invitae Variant Classification Sherloc (09022015). Collection method: clinical testing. Allele origin: germline.
Comment: This sequence change replaces arginine, which is basic and polar, with lysine, which is basic and polar, at codon 264 of the PROC protein (p.Arg264Lys). This variant is not present in population databases (gnomAD no frequency). This missense change has been observed in individual(s) with pulmonary embolism (PMID: 28174134). Invitae Evidence Modeling of protein sequence and biophysical properties (such as structural, functional, and spatial information, amino acid conservation, physicochemical variation, residue mobility, and thermodynamic stability) indicates that this missense variant is not expected to disrupt PROC protein function with a negative predictive value of 80%. This variant disrupts the p.Arg264 amino acid residue in PROC. Other variant(s) that disrupt this residue have been determined to be pathogenic (PMID: 24162787; internal data). This suggests that this residue is clinically significant, and that variants that disrupt this residue are likely to be disease-causing. In summary, the available evidence is currently insufficient to determine the role of this variant in disease. Therefore, it has been classified as a Variant of Uncertain Significance.

Literature cited by the submitters: PubMed 28174134; PubMed 24162787.

NM_000312.4(PROC):c.791G>A (p.Arg264Lys)

Gene: PROC (protein C, inactivator of coagulation factors Va and VIIIa; plus strand). Cytogenetic location: 2q14.3.
Variant type: single nucleotide variant.
Coding change: c.791G>A on transcript NM_000312.4 (MANE Select); coding-DNA position 791, G replaced by A.
Protein change: p.Arg264Lys; replaces arginine 264 with lysine.
Molecular consequence: missense variant.
Genome position (GRCh38, 1-based): chr2:127,427,217, G>A. VCF-style: chr2-127427217-G-A. GRCh37 (hg19) VCF-style: chr2-128184793-G-A.
Other names: c.974G>A, p.Arg325Lys (NM_001375602.1); c.956G>A, p.Arg319Lys (NM_001375603.1); c.854G>A, p.Arg285Lys (NM_001375604.1); c.893G>A, p.Arg298Lys (NM_001375605.1); c.959G>A, p.Arg320Lys (NM_001375606.1); c.977G>A, p.Arg326Lys (NM_001375607.1); c.734G>A, p.Arg245Lys (NM_001375608.1); c.767G>A, p.Arg256Lys (NM_001375609.1); and 2 more; short protein forms R245K, R319K, R262K, R264K, R285K, R298K, R320K, R325K.
Identifiers: ClinVar variation 3720363 (VCV003720363.2).